The following is an entry in ClinVar:

NM_001256071.3(RNF213):c.4110T>G (p.Gly1370=)

Gene: RNF213 (ring finger protein 213; plus strand). Cytogenetic location: 17q25.3.
Variant type: single nucleotide variant.
Coding change: c.4110T>G on transcript NM_001256071.3 (MANE Select); coding-DNA position 4110, T replaced by G.
Protein change: p.Gly1370=; no amino-acid change (glycine 1370 retained).
Molecular consequence: synonymous variant.
Genome position (GRCh38, 1-based): chr17:80,332,598, T>G. VCF-style: chr17-80332598-T-G. GRCh37 (hg19) VCF-style: chr17-78306398-T-G.
Other names: c.4257T>G, p.Gly1419= (NM_001410195.1, NM_020914.5).
Identifiers: ClinVar variation 2648412 (VCV002648412.24), dbSNP rs955363772, ClinGen allele CA294909842.

ClinVar aggregate classification (germline): Likely benign (1 of 4 stars; one submission).

gnomAD v4.1: 7 of 1,519,896 alleles (0.00046%); highest among the groups gnomAD compares: Admixed American, 0.0021%; no homozygotes.

Submission:

CeGaT Center for Human Genetics Tuebingen
Classification: Likely benign. Last evaluated: 2026-07-01. Review status: criteria provided, single submitter. Criteria: CeGaT Center For Human Genetics Tuebingen Variant Classification Criteria Version 2. Collection method: clinical testing. Allele origin: germline. Affected: yes. Observed: 2 variant alleles.
Comment: RNF213: BP4, BP7